The following is an entry in ClinVar:

NM_001195248.2(APTX):c.484-15_484-3del

Gene: APTX (aprataxin; minus strand). Cytogenetic location: 9p21.1.
Variant type: Deletion.
Coding change: c.484-15_484-3del on transcript NM_001195248.2 (MANE Select); 15 bases into the intron before coding-DNA position 484 through 3 bases into the intron before coding-DNA position 484, 13 bases deleted (TTGTTTTTTTTTT).
Molecular consequence: intron variant.
Genome position (GRCh38, 1-based): chr9:32,986,033-32,986,045, AAAAAAAAAACAA deleted on the plus strand (TTGTTTTTTTTTT on the coding strand, the reverse complement: APTX is on the minus strand); deleting any 13 consecutive bases within chr9:32,986,033-32,986,054 gives the same sequence; the c. name uses the placement nearest the transcript's 3' end. VCF-style (leftmost placement, unchanged base first): chr9-32986032-TAAAAAAAAAACAA-T. GRCh37 (hg19) VCF-style: chr9-32986030-TAAAAAAAAAACAA-T.
Other names: p.?; c.484-15_484-3delTTGTTTTTTTTTT (NM_175073.2); c.484-15_484-3del (NM_175073.2, NM_001368996.1, NM_001368995.1 and 7 more transcripts); c.322-15_322-3del (NM_001369001.1, NM_001369000.1, NM_001195250.2 and 1 more transcripts); c.220-15_220-3del (NM_001369002.1, NM_001369003.1, NM_001369004.1 and 5 more transcripts); c.268-15_268-3del (NM_001195252.2).
Identifiers: ClinVar variation 768288 (VCV000768288.11), dbSNP rs749988599, ClinGen allele CA5022399.

ClinVar aggregate classification (germline): Benign/Likely benign. Review status: criteria provided, multiple submitters, no conflicts (2 of 4 stars). 4 submissions from 4 submitters: Benign (1); Likely benign (3). Last evaluated 2025-10-20.

Submissions (4):

Labcorp Genetics (formerly Invitae), Labcorp
Classification: Benign. Last evaluated: 2025-10-20. Review status: criteria provided, single submitter. Criteria: Invitae Variant Classification Sherloc (09022015). Collection method: clinical testing. Allele origin: germline.

Laboratory of Genetics, Children's Clinical University Hospital Latvia
Classification: Likely benign. Last evaluated: 2025-02-16. Review status: criteria provided, single submitter. Criteria: ACMG Guidelines, 2015. Collection method: clinical testing. Allele origin: germline. Affected: yes.

Mayo Clinic Laboratories, Mayo Clinic
Classification: Likely benign. Last evaluated: 2024-11-19. Review status: criteria provided, single submitter. Criteria: ACMG Guidelines, 2015. Collection method: clinical testing. Allele origin: germline. Observed: 2 variant alleles.
Comment: BP4, BP7

Blueprint Genetics
Classification: Likely benign. Last evaluated: 2024-11-08. Review status: criteria provided, single submitter. Criteria: ACMG Guidelines, 2015. Collection method: clinical testing. Allele origin: germline.